The following is an entry in ClinVar:

NM_001205293.3(CACNA1E):c.1621A>G (p.Asn541Asp)

Gene: CACNA1E (calcium voltage-gated channel subunit alpha1 E; plus strand). Cytogenetic location: 1q25.3.
Variant type: single nucleotide variant.
Coding change: c.1621A>G on transcript NM_001205293.3 (MANE Select); coding-DNA position 1621, A replaced by G.
Protein change: p.Asn541Asp; replaces asparagine 541 with aspartic acid.
Molecular consequence: missense variant.
Genome position (GRCh38, 1-based): chr1:181,718,150, A>G. VCF-style: chr1-181718150-A-G. GRCh37 (hg19) VCF-style: chr1-181687286-A-G.
Other names: c.1621A>G, p.Asn541Asp (NM_000721.4, NM_001205294.2); short protein forms N541D.
Identifiers: ClinVar variation 1878562 (VCV001878562.1), dbSNP rs2528521795, ClinGen allele CA343625961.
Genomic context (GRCh38, chr1:181,718,150, plus strand): 5'-TTGGAGATGTCCCTGAAGATGTATGGCATGGGGCCTCGCCTTTATTTTCACTCTTCATTC[A>G]ACTGCTTTGATTTTGGGGTAAGTCCTCGGAAGCCTGCCTCTGCTCCTGCTTCGTGTTGAT-3'
Protein context (NP_001192222.1, residues 531-551): GPRLYFHSSF[Asn541Asp]CFDFGVTVGS

ClinVar aggregate classification (germline): Uncertain significance (1 of 4 stars; one submission).

Conditions:
Developmental and epileptic encephalopathy, 69. Also called: EPILEPTIC ENCEPHALOPATHY, EARLY INFANTILE, 69. Identifiers: MedGen C4748988, MONDO:0032657, OMIM 618285.

Submission:

Neuberg Centre For Genomic Medicine, NCGM
Classification: Uncertain significance for Developmental and epileptic encephalopathy, 69. Review status: criteria provided, single submitter. Criteria: ACMG Guidelines, 2015. Collection method: clinical testing. Allele origin: germline. Affected: yes.
Comment: The missense variant in c.1621A>G(p.Asn541Asp) in CACNA1E gene has not been reported previously as a pathogenic variant nor as a benign variant, to our knowledge. The p.Asn541Asp variant is novel (not in any individuals) in gnomAD Exomes and 1000 Genomes. The amino acid Asn at position 541 is changed to a Asp changing protein sequence and it might alter its composition and physico-chemical properties. The variant is predicted to be damaging by both SIFT and PolyPhen2. The residue is conserved across species. The amino acid change p.Asn541Asp in CACNA1E is predicted as conserved by GERP++ and PhyloP across 100 vertebrates. For these reasons, this variant has been classified as Uncertain Significance.